The following is an entry in ClinVar:

ClinVar aggregate classification (germline): Uncertain significance. Review status: criteria provided, multiple submitters, no conflicts (2 of 4 stars). 2 submissions from 2 submitters: Uncertain significance (2). Last evaluated 2022-03-23.

Conditions:
Mucopolysaccharidosis type 1. Also called: IDUA deficiency; MPS I. Identifiers: Orphanet 579, MedGen C0023786, MONDO:0001586.

Allele frequency attached by ClinVar (database versions not stated): ExAC 0.00001; gnomAD exomes 0.00001; TOPMed 0.00002.
gnomAD v4.1: 10 of 1,612,964 alleles (0.00062%); highest among the groups gnomAD compares: South Asian, 0.0088%; no homozygotes.

Submissions (2):

Labcorp Genetics (formerly Invitae), Labcorp
Classification: Uncertain significance for Mucopolysaccharidosis type 1. Last evaluated: 2022-03-23. Review status: criteria provided, single submitter. Criteria: Invitae Variant Classification Sherloc (09022015). Collection method: clinical testing. Allele origin: germline.
Comment: This sequence change replaces arginine, which is basic and polar, with threonine, which is neutral and polar, at codon 166 of the IDUA protein (p.Arg166Thr). This variant is present in population databases (rs762623046, gnomAD 0.006%). This variant has not been reported in the literature in individuals affected with IDUA-related conditions. Advanced modeling of protein sequence and biophysical properties (such as structural, functional, and spatial information, amino acid conservation, physicochemical variation, residue mobility, and thermodynamic stability) performed at Invitae indicates that this missense variant is expected to disrupt IDUA protein function. Algorithms developed to predict the effect of sequence changes on RNA splicing suggest that this variant may disrupt the consensus splice site. In summary, the available evidence is currently insufficient to determine the role of this variant in disease. Therefore, it has been classified as a Variant of Uncertain Significance.

Revvity Omics, Revvity
Classification: Uncertain significance. Last evaluated: 2021-09-07. Review status: criteria provided, single submitter. Criteria: ACMG Guidelines, 2015. Collection method: clinical testing. Allele origin: germline.

NM_000203.5(IDUA):c.497G>C (p.Arg166Thr)

Gene: IDUA (alpha-L-iduronidase; plus strand). Cytogenetic location: 4p16.3.
Variant type: single nucleotide variant.
Coding change: c.497G>C on transcript NM_000203.5 (MANE Select); coding-DNA position 497, G replaced by C.
Protein change: p.Arg166Thr; replaces arginine 166 with threonine.
Molecular consequence: missense variant. On other transcripts: non-coding transcript variant (1).
Genome position (GRCh38, 1-based): chr4:1,001,471, G>C. VCF-style: chr4-1001471-G-C. GRCh37 (hg19) VCF-style: chr4-995259-G-C.
Other names: c.101G>C, p.Arg34Thr (NM_001363576.1); short protein forms R166T, R34T.
Identifiers: ClinVar variation 1388155 (VCV001388155.5), dbSNP rs762623046, ClinGen allele CA2801967.